The following is an entry in ClinVar:

ClinVar aggregate classification (germline): Uncertain significance (1 of 4 stars; one submission).

gnomAD v4.1: 5 of 1,613,898 alleles (0.00031%); highest among the groups gnomAD compares: Non-Finnish European, 0.00042%; no homozygotes.

Submission:

Labcorp Genetics (formerly Invitae), Labcorp
Classification: Uncertain significance. Last evaluated: 2024-05-19. Review status: criteria provided, single submitter. Criteria: Invitae Variant Classification Sherloc (09022015). Collection method: clinical testing. Allele origin: germline.
Comment: This sequence change replaces isoleucine, which is neutral and non-polar, with valine, which is neutral and non-polar, at codon 150 of the BLK protein (p.Ile150Val). This variant is not present in population databases (gnomAD no frequency). This variant has not been reported in the literature in individuals affected with BLK-related conditions. Algorithms developed to predict the effect of missense changes on protein structure and function output the following: SIFT: "Not Available"; PolyPhen-2: "Benign"; Align-GVGD: "Not Available". The valine amino acid residue is found in multiple mammalian species, which suggests that this missense change does not adversely affect protein function. In summary, the available evidence is currently insufficient to determine the role of this variant in disease. Therefore, it has been classified as a Variant of Uncertain Significance.

NM_001715.3(BLK):c.448A>G (p.Ile150Val)

Genes: BLK (BLK proto-oncogene, Src family tyrosine kinase), LOC126860303 (CDK7 strongly-dependent group 2 enhancer GRCh37_chr8:11407118-11408317). Cytogenetic location: 8p23.1.
Variant type: single nucleotide variant.
Coding change: c.448A>G on transcript NM_001715.3 (MANE Select); coding-DNA position 448, A replaced by G.
Protein change: p.Ile150Val; replaces isoleucine 150 with valine.
Molecular consequence: missense variant.
Genome position (GRCh38, 1-based): chr8:11,550,238, A>G. VCF-style: chr8-11550238-A-G. GRCh37 (hg19) VCF-style: chr8-11407747-A-G.
Other names: c.235A>G, p.Ile79Val (NM_001330465.2); short protein forms I150V, I79V.
Identifiers: ClinVar variation 3682122 (VCV003682122.2).